The following is an entry in ClinVar:

NM_020702.5(MYORG):c.1427C>A (p.Thr476Asn)

Gene: MYORG (myogenesis regulating glycosidase; minus strand). Cytogenetic location: 9p13.3.
Variant type: single nucleotide variant.
Coding change: c.1427C>A on transcript NM_020702.5 (MANE Select); coding-DNA position 1427, C replaced by A.
Protein change: p.Thr476Asn; replaces threonine 476 with asparagine.
Molecular consequence: missense variant.
Genome position (GRCh38, 1-based): chr9:34,371,517, G>T on the plus strand (C>A on the coding strand, the complement: MYORG is on the minus strand). VCF-style: chr9-34371517-G-T. GRCh37 (hg19) VCF-style: chr9-34371515-G-T.
Other names: short protein forms T476N.
Identifiers: ClinVar variation 692178 (VCV000692178.7), dbSNP rs769099047, ClinGen allele CA373241337.
Genomic context (GRCh38, chr9:34,371,517, plus strand): 5'-GGCAGCGCCATCTCAGTGTAGCGCCGGCTCCAGACGCTGGGGTCCGGCAGCGGCCGGTAG[G>T]TGCTGAAGTCCCGCGGCAGGTAGCTGACCTCGCCCGCGTCGAACTTGAAGGAAGCCACGG-3'
Protein context (NP_065753.2, residues 466-486): EVSYLPRDFS[Thr476Asn]YRPLPDPSVW

ClinVar aggregate classification (germline): Uncertain significance. Review status: criteria provided, multiple submitters, no conflicts (2 of 4 stars). 2 submissions from 2 submitters: Uncertain significance (2). Last evaluated 2022-02-08.

Conditions:
Basal ganglia calcification, idiopathic, 7, autosomal recessive. Also called: PRIMARY FAMILIAL BRAIN CALCIFICATION 7, AUTOSOMAL RECESSIVE. Identifiers: MedGen C5193025, MONDO:0032673, OMIM 618317.

Submissions (2):

Labcorp Genetics (formerly Invitae), Labcorp
Classification: Uncertain significance. Last evaluated: 2022-02-08. Review status: criteria provided, single submitter. Criteria: Invitae Variant Classification Sherloc (09022015). Collection method: clinical testing. Allele origin: germline.
Comment: ClinVar contains an entry for this variant (Variation ID: 692178). This missense change has been observed in individual(s) with KIAA1161-related conditions (PMID: 31009047). In at least one individual the data is consistent with being in trans (on the opposite chromosome) from a pathogenic variant. This variant is not present in population databases (gnomAD no frequency). This sequence change replaces threonine, which is neutral and polar, with asparagine, which is neutral and polar, at codon 476 of the KIAA1161 protein (p.Thr476Asn). Algorithms developed to predict the effect of missense changes on protein structure and function are either unavailable or do not agree on the potential impact of this missense change (SIFT: "Tolerated"; PolyPhen-2: "Not Available"; Align-GVGD: "Class C0"). In summary, the available evidence is currently insufficient to determine the role of this variant in disease. Therefore, it has been classified as a Variant of Uncertain Significance.

SIB Swiss Institute of Bioinformatics
Classification: Uncertain significance for Basal ganglia calcification, idiopathic, 7, autosomal recessive. Last evaluated: 2019-06-13. Review status: criteria provided, single submitter. Criteria: ACMG Guidelines, 2015. Collection method: curation. Allele origin: unknown.
Comment: This variant is interpreted as a variant of Uncertain significance for Basal ganglia calcification, idiopathic, 7, autosomal recessive. The following ACMG Tag(s) were applied: PM2, PP3.

Literature cited by the submitters: PubMed 31009047 (cited by Labcorp Genetics (formerly Invitae), Labcorp and SIB Swiss Institute of Bioinformatics).